The following is an entry in ClinVar:

ClinVar aggregate classification (germline): Likely benign. Review status: criteria provided, multiple submitters, no conflicts (2 of 4 stars). 5 submissions from 5 submitters: Likely benign (3). 2 of the submissions do not count toward it. Last evaluated 2025-11-24.

Allele frequency attached by ClinVar (database versions not stated): 1000 Genomes Project 30x 0.00016; 1000 Genomes Project 0.00020; ESP Exome Variant Server 0.00092; TOPMed 0.00107; gnomAD exomes 0.00108; gnomAD 0.00110 and 0.00111; ExAC 0.00118.
gnomAD v4.1: 3,027 of 1,613,998 alleles (0.19%); highest among the groups gnomAD compares: Non-Finnish European, 0.24%; 4 homozygotes.

Submissions (5):

Labcorp Genetics (formerly Invitae), Labcorp
Classification: Likely benign. Last evaluated: 2025-11-24. Review status: criteria provided, single submitter. Criteria: Invitae Variant Classification Sherloc (09022015). Collection method: clinical testing. Allele origin: germline.

Blueprint Genetics
Classification: Likely benign. Last evaluated: 2024-11-21. Review status: criteria provided, single submitter. Criteria: ACMG Guidelines, 2015. Collection method: clinical testing. Allele origin: germline.

CeGaT Center for Human Genetics Tuebingen
Classification: Likely benign. Last evaluated: 2023-05-01. Review status: criteria provided, single submitter. Criteria: CeGaT Center For Human Genetics Tuebingen Variant Classification Criteria Version 2. Collection method: clinical testing. Allele origin: germline. Affected: yes. Observed: 2 variant alleles.
Comment: PIGC: BP4, BP7

Clinical Genetics DNA and cytogenetics Diagnostics Lab, Erasmus MC, Erasmus Medical Center
Classification: Likely benign. Review status: no assertion criteria provided. Collection method: clinical testing. Allele origin: germline. Affected: yes. Study: VKGL Data-share Consensus. Not counted in ClinVar's aggregate classification.

Genome Diagnostics Laboratory, University Medical Center Utrecht
Classification: Likely benign. Review status: no assertion criteria provided. Collection method: clinical testing. Allele origin: germline. Affected: yes. Study: VKGL Data-share Consensus. Not counted in ClinVar's aggregate classification.

NM_153747.2(PIGC):c.393T>C (p.Tyr131=)

Genes: C1orf105 (chromosome 1 open reading frame 105; plus strand), PIGC (phosphatidylinositol glycan anchor biosynthesis class C; minus strand). Cytogenetic location: 1q24.3.
Variant type: single nucleotide variant.
Coding change: c.393T>C on transcript NM_153747.2 (MANE Select); coding-DNA position 393, T replaced by C.
Protein change: p.Tyr131=; no amino-acid change (tyrosine 131 retained).
Molecular consequence: synonymous variant. On other transcripts: intron variant (1).
Genome position (GRCh38, 1-based): chr1:172,442,230, A>G on the plus strand (T>C on the coding strand, the complement: PIGC is on the minus strand). VCF-style: chr1-172442230-A-G. GRCh37 (hg19) VCF-style: chr1-172411370-A-G.
Other names: c.393T>C, p.Tyr131= (NM_002642.4); c.22-2843A>G (NM_139240.4).
Identifiers: ClinVar variation 1299807 (VCV001299807.33), dbSNP rs61747502, ClinGen allele CA1245975.